The following is an entry in ClinVar:

ClinVar aggregate classification (germline): Likely benign (1 of 4 stars; one submission).

Conditions:
Tuberous sclerosis 2 (TSC2). Identifiers: Orphanet 805, MedGen C1860707, MONDO:0013199, OMIM 613254.

Submission:

Myriad Genetics, Inc.
Classification: Likely benign for Tuberous sclerosis 2. Last evaluated: 2025-05-16. Review status: criteria provided, single submitter. Criteria: Myriad Autosomal Dominant, Autosomal Recessive and X-Linked Classification Criteria (2023). Collection method: clinical testing. Allele origin: unknown.
Comment: This variant is considered likely benign. This variant is intronic and is not expected to impact mRNA splicing.

NM_000548.5(TSC2):c.1947-16T>C

Gene: TSC2 (TSC complex subunit 2; plus strand). Cytogenetic location: 16p13.3.
Variant type: single nucleotide variant.
Coding change: c.1947-16T>C on transcript NM_000548.5 (MANE Select); 16 bases into the intron before coding-DNA position 1947, T replaced by C.
Molecular consequence: intron variant.
Genome position (GRCh38, 1-based): chr16:2,071,768, T>C. VCF-style: chr16-2071768-T-C. GRCh37 (hg19) VCF-style: chr16-2121769-T-C.
Other names: c.1947-16T>C (NM_001370404.1, NM_001077183.3, NM_001114382.3 and 6 more transcripts); c.603-16T>C (NM_001406694.1, NM_001406695.1, NM_001406696.1 and 6 more transcripts); c.1935-16T>C (NM_001406671.1, NM_001406673.1); c.1485-16T>C (NM_001406681.1); c.1836-16T>C (NM_001406670.1, NM_001318827.2, NM_001406678.1); c.1347-16T>C (NM_001406682.1, NM_001406684.1, NM_001406685.1 and 6 more transcripts); c.1890-16T>C (NM_001406677.1); c.1800-16T>C (NM_001406675.1, NM_001406676.1, NM_001318829.2 and 1 more transcripts); and 3 more.
Identifiers: ClinVar variation 4071301 (VCV004071301.1).